The following is an entry in ClinVar:

ClinVar aggregate classification (germline): Uncertain significance (1 of 4 stars; one submission).

Conditions:
Congenital myasthenic syndrome 4A. Also called: Myasthenic syndrome, congenital, 4a, slow-channel; MYASTHENIC SYNDROME, CONGENITAL, 4A, SLOW-CHANNEL, AUTOSOMAL RECESSIVE; CONGENITAL MYASTHENIC SYNDROME TYPE Ia1. Identifiers: Orphanet 590, MedGen C4225413, MONDO:0011600, OMIM 605809.

Allele frequency attached by ClinVar (database versions not stated): gnomAD 0.00001; ExAC 0.00002; gnomAD exomes 0.00002.

Submission:

Labcorp Genetics (formerly Invitae), Labcorp
Classification: Uncertain significance for Congenital myasthenic syndrome 4A. Last evaluated: 2023-01-19. Review status: criteria provided, single submitter. Criteria: Invitae Variant Classification Sherloc (09022015). Collection method: clinical testing. Allele origin: germline.
Comment: In summary, the available evidence is currently insufficient to determine the role of this variant in disease. Therefore, it has been classified as a Variant of Uncertain Significance. Advanced modeling of protein sequence and biophysical properties (such as structural, functional, and spatial information, amino acid conservation, physicochemical variation, residue mobility, and thermodynamic stability) performed at Invitae indicates that this missense variant is not expected to disrupt CHRNE protein function. ClinVar contains an entry for this variant (Variation ID: 1349157). This variant has not been reported in the literature in individuals affected with CHRNE-related conditions. This variant is present in population databases (rs751388919, gnomAD 0.02%). This sequence change replaces histidine, which is basic and polar, with glutamine, which is neutral and polar, at codon 218 of the CHRNE protein (p.His218Gln).

NM_000080.4(CHRNE):c.654C>G (p.His218Gln)

Genes: C17orf107 (chromosome 17 open reading frame 107; plus strand), CHRNE (cholinergic receptor nicotinic epsilon subunit; minus strand). Cytogenetic location: 17p13.2.
Variant type: single nucleotide variant.
Coding change: c.654C>G on transcript NM_000080.4 (MANE Select); coding-DNA position 654, C replaced by G.
Protein change: p.His218Gln; replaces histidine 218 with glutamine.
Molecular consequence: missense variant. On other transcripts: 3 prime UTR variant (1).
Genome position (GRCh38, 1-based): chr17:4,901,138, G>C on the plus strand (C>G on the coding strand, the complement: CHRNE is on the minus strand). VCF-style: chr17-4901138-G-C. GRCh37 (hg19) VCF-style: chr17-4804433-G-C.
Other names: c.*605G>C (NM_001145536.2); short protein forms H218Q.
Identifiers: ClinVar variation 1349157 (VCV001349157.7), dbSNP rs751388919, ClinGen allele CA8314295.